The following is an entry in ClinVar:

ClinVar aggregate classification (germline): Pathogenic. Review status: criteria provided, multiple submitters, no conflicts (2 of 4 stars). 2 submissions from 2 submitters: Pathogenic (2). Last evaluated 2026-03-01.

Conditions:
Alagille syndrome due to a JAG1 point mutation. Also called: HEPATIC DUCTULAR HYPOPLASIA, SYNDROMATIC; JAG1-Related Alagille Syndrome; Alagille Syndrome 1. Identifiers: Orphanet 261619, Orphanet 52, MedGen C1956125, MONDO:0016862, OMIM 118450.

Submissions (2):

CeGaT Center for Human Genetics Tuebingen
Classification: Pathogenic. Last evaluated: 2026-03-01. Review status: criteria provided, single submitter. Criteria: CeGaT Center For Human Genetics Tuebingen Variant Classification Criteria Version 2. Collection method: clinical testing. Allele origin: germline. Affected: yes. Observed: 1 variant allele.
Comment: JAG1: PVS1, PM2, PS1:Supporting, PS4:Supporting

Mendelics
Classification: Pathogenic for Alagille syndrome due to a JAG1 point mutation. Last evaluated: 2019-05-28. Review status: criteria provided, single submitter. Criteria: Mendelics Assertion Criteria 2017. Collection method: clinical testing. Allele origin: unknown.

NM_000214.3(JAG1):c.886+1G>A

Gene: JAG1 (jagged canonical Notch ligand 1; minus strand). Cytogenetic location: 20p12.2.
Variant type: single nucleotide variant.
Coding change: c.886+1G>A on transcript NM_000214.3 (MANE Select); the canonical splice donor site of the intron after coding-DNA position 886, G replaced by A.
Molecular consequence: splice donor variant.
Genome position (GRCh38, 1-based): chr20:10,652,467, C>T on the plus strand (G>A on the coding strand, the complement: JAG1 is on the minus strand). VCF-style: chr20-10652467-C-T. GRCh37 (hg19) VCF-style: chr20-10633115-C-T.
Identifiers: ClinVar variation 803602 (VCV000803602.5), dbSNP rs1600186024, ClinGen allele CA408239186.